The following is an entry in ClinVar:

NM_001281740.3(FHOD3):c.2662G>C (p.Gly888Arg)

Gene: FHOD3 (formin homology 2 domain containing 3; plus strand). Cytogenetic location: 18q12.2.
Variant type: single nucleotide variant.
Coding change: c.2662G>C on transcript NM_001281740.3 (MANE Select); coding-DNA position 2662, G replaced by C.
Protein change: p.Gly888Arg; replaces glycine 888 with arginine.
Molecular consequence: missense variant.
Genome position (GRCh38, 1-based): chr18:36,717,960, G>C. VCF-style: chr18-36717960-G-C. GRCh37 (hg19) VCF-style: chr18-34297923-G-C.
Other names: c.2086G>C, p.Gly696Arg (NM_001281739.3); c.2137G>C, p.Gly713Arg (NM_025135.5); short protein forms G696R, G713R, G888R.
Identifiers: ClinVar variation 1398811 (VCV001398811.7), dbSNP rs374688382, ClinGen allele CA8941927.
Genomic context (GRCh38, chr18:36,717,960, plus strand): 5'-CGGTTCATGCTTGACATGCTGTATGCCCATAACAGGAAGTCTCCGGATGATGAGGAGAAG[G>C]GGGATGGGGAGGCTGGGAGGACCCAGCAGGAGGCAGAGGCGGTAGCCAGCCTTGCTACCA-3'
Protein context (NP_001268669.1, residues 878-898): NRKSPDDEEK[Gly888Arg]DGEAGRTQQE

ClinVar aggregate classification (germline): Uncertain significance (1 of 4 stars; one submission).

Allele frequency attached by ClinVar (database versions not stated): gnomAD 0.00002 and 0.00004; TOPMed 0.00002; ESP Exome Variant Server 0.00008.
gnomAD v4.1: 50 of 1,613,934 alleles (0.0031%); highest among the groups gnomAD compares: Non-Finnish European, 0.0042%; no homozygotes.

Submission:

Labcorp Genetics (formerly Invitae), Labcorp
Classification: Uncertain significance. Last evaluated: 2021-06-16. Review status: criteria provided, single submitter. Criteria: Invitae Variant Classification Sherloc (09022015). Collection method: clinical testing. Allele origin: germline.
Comment: In summary, the available evidence is currently insufficient to determine the role of this variant in disease. Therefore, it has been classified as a Variant of Uncertain Significance. Algorithms developed to predict the effect of missense changes on protein structure and function (SIFT, PolyPhen-2, Align-GVGD) all suggest that this variant is likely to be tolerated, but these predictions have not been confirmed by published functional studies and their clinical significance is uncertain. This sequence change replaces glycine with arginine at codon 713 of the FHOD3 protein (p.Gly713Arg). The glycine residue is weakly conserved and there is a moderate physicochemical difference between glycine and arginine. This variant is present in population databases (rs374688382, ExAC 0.003%). This variant has not been reported in the literature in individuals with FHOD3-related conditions.